The following is an entry in ClinVar:

NM_003477.3(PDHX):c.734C>T (p.Ser245Leu)

Gene: PDHX (pyruvate dehydrogenase complex component X; plus strand). Cytogenetic location: 11p13.
Variant type: single nucleotide variant.
Coding change: c.734C>T on transcript NM_003477.3 (MANE Select); coding-DNA position 734, C replaced by T.
Protein change: p.Ser245Leu; replaces serine 245 with leucine.
Molecular consequence: missense variant. On other transcripts: intron variant (1).
Genome position (GRCh38, 1-based): chr11:34,966,732, C>T. VCF-style: chr11-34966732-C-T. GRCh37 (hg19) VCF-style: chr11-34988279-C-T.
Other names: c.734C>T (NM_003477.2); c.554C>T, p.Ser185Leu (NM_001135024.2); c.343-17838C>T (NM_001166158.2); short protein forms S185L, S245L.
Identifiers: ClinVar variation 1369600 (VCV001369600.31), dbSNP rs141096005, ClinGen allele CA5945977.

ClinVar aggregate classification (germline): Conflicting classifications of pathogenicity. Review status: criteria provided, conflicting classifications (1 of 4 stars). 4 submissions from 4 submitters: Uncertain significance (2); Likely benign (2). Last evaluated 2025-07-10.

Allele frequency attached by ClinVar (database versions not stated): gnomAD exomes 0.00004 and 0.00010; ExAC 0.00009; 1000 Genomes Project 30x 0.00016; 1000 Genomes Project 0.00020; ESP Exome Variant Server 0.00038; gnomAD 0.00041 and 0.00046; TOPMed 0.00045.
gnomAD v4.1: 123 of 1,614,126 alleles (0.0076%); highest among the groups gnomAD compares: African/African-American, 0.14%; no homozygotes.

Submissions (4):

GeneDx
Classification: Uncertain significance. Last evaluated: 2025-07-10. Review status: criteria provided, single submitter. Criteria: GeneDx Variant Classification Process June 2021. Collection method: clinical testing. Allele origin: germline.
Comment: In silico analysis suggests that this missense variant does not alter protein structure/function; Has not been previously published as pathogenic or benign to our knowledge

Blueprint Genetics
Classification: Likely benign. Last evaluated: 2023-06-29. Review status: criteria provided, single submitter. Criteria: ACMG Guidelines, 2015. Collection method: clinical testing. Allele origin: germline.

CeGaT Center for Human Genetics Tuebingen
Classification: Likely benign. Last evaluated: 2023-02-01. Review status: criteria provided, single submitter. Criteria: CeGaT Center For Human Genetics Tuebingen Variant Classification Criteria Version 2. Collection method: clinical testing. Allele origin: germline. Affected: yes. Observed: 1 variant allele.
Comment: PDHX: BP4

Labcorp Genetics (formerly Invitae), Labcorp
Classification: Uncertain significance. Last evaluated: 2022-07-06. Review status: criteria provided, single submitter. Criteria: Invitae Variant Classification Sherloc (09022015). Collection method: clinical testing. Allele origin: germline.
Comment: This sequence change replaces serine, which is neutral and polar, with leucine, which is neutral and non-polar, at codon 245 of the PDHX protein (p.Ser245Leu). This variant is present in population databases (rs141096005, gnomAD 0.1%). This variant has not been reported in the literature in individuals affected with PDHX-related conditions. ClinVar contains an entry for this variant (Variation ID: 1369600). Algorithms developed to predict the effect of missense changes on protein structure and function output the following: SIFT: "Tolerated"; PolyPhen-2: "Benign"; Align-GVGD: "Class C0". The leucine amino acid residue is found in multiple mammalian species, which suggests that this missense change does not adversely affect protein function. In summary, the available evidence is currently insufficient to determine the role of this variant in disease. Therefore, it has been classified as a Variant of Uncertain Significance.